The following is an entry in ClinVar:

ClinVar aggregate classification (germline): Uncertain significance (1 of 4 stars; one submission).

Conditions:
Dilated cardiomyopathy 1G (CMD1G). Identifiers: Orphanet 154, MedGen C1858763, MONDO:0011400, OMIM 604145.
Autosomal recessive limb-girdle muscular dystrophy type 2J (LGMDR10). Also called: Limb-girdle muscular dystrophy, type 2J; MUSCULAR DYSTROPHY, LIMB-GIRDLE, AUTOSOMAL RECESSIVE 10. Identifiers: Orphanet 140922, MedGen C1837342, MONDO:0012127, OMIM 608807.

Allele frequency attached by ClinVar (database versions not stated): ExAC 0.00001; gnomAD exomes 0.00001; gnomAD 0.00002 and 0.00003; TOPMed 0.00003.
gnomAD v4.1: 16 of 1,613,700 alleles (0.00099%); highest among the groups gnomAD compares: South Asian, 0.0066%; no homozygotes.

Submission:

Labcorp Genetics (formerly Invitae), Labcorp
Classification: Uncertain significance for Dilated cardiomyopathy 1G; Autosomal recessive limb-girdle muscular dystrophy type 2J. Last evaluated: 2024-12-09. Review status: criteria provided, single submitter. Criteria: Invitae Variant Classification Sherloc (09022015). Collection method: clinical testing. Allele origin: germline.
Comment: This sequence change replaces tyrosine, which is neutral and polar, with histidine, which is basic and polar, at codon 33981 of the TTN protein (p.Tyr33981His). This variant is present in population databases (rs781686886, gnomAD 0.01%). This variant has not been reported in the literature in individuals affected with TTN-related conditions. ClinVar contains an entry for this variant (Variation ID: 1512725). Experimental studies and prediction algorithms are not available or were not evaluated, and the functional significance of this variant is currently unknown. This variant is located in the M band of TTN (PMID: 25589632). Non-truncating variants in this region may be relevant for neuromuscular disorders, but have not been definitively shown to cause cardiomyopathy (PMID: 23975875). In summary, the available evidence is currently insufficient to determine the role of this variant in disease. Therefore, it has been classified as a Variant of Uncertain Significance.

Literature cited by the submitters: PubMed 25589632; PubMed 23975875.

NM_001267550.2(TTN):c.101941T>C (p.Tyr33981His)

Genes: TTN (titin; minus strand), TTN-AS1 (TTN antisense RNA 1; plus strand). Cytogenetic location: 2q31.2.
Variant type: single nucleotide variant.
Coding change: c.101941T>C on transcript NM_001267550.2 (MANE Select); coding-DNA position 101941, T replaced by C.
Protein change: p.Tyr33981His; replaces tyrosine 33981 with histidine.
Molecular consequence: missense variant.
Genome position (GRCh38, 1-based): chr2:178,534,674, A>G on the plus strand (T>C on the coding strand, the complement: TTN is on the minus strand). VCF-style: chr2-178534674-A-G. GRCh37 (hg19) VCF-style: chr2-179399401-A-G.
Other names: c.97018T>C, p.Tyr32340His (NM_001256850.1); c.74746T>C, p.Tyr24916His (NM_003319.4); c.94237T>C, p.Tyr31413His (NM_133378.4); c.75121T>C, p.Tyr25041His (NM_133432.3); c.75322T>C, p.Tyr25108His (NM_133437.4); short protein forms Y31413H, Y33981H, Y32340H, Y24916H, Y25041H, Y25108H.
Identifiers: ClinVar variation 1512725 (VCV001512725.8), dbSNP rs781686886, ClinGen allele CA1985822.
Genomic context (GRCh38, chr2:178,534,674, plus strand): 5'-GTGACCACATGTCTGTGGCTGTGCTGACAACATCATGCTGGTGGACTTCAGGTGCATAGT[A>G]TTCTGGGGCAGTGAATAGAAGCCTGAAGTTGTCCCCTGGTTTCAGCTGACGGGCTTGACC-3'
Protein context (NP_001254479.2, residues 33971-33991): NFRLLFTAPE[Tyr33981His]YAPEVHQHDV